The following is an entry in ClinVar:

NM_000834.5(GRIN2B):c.1573T>G (p.Phe525Val)

Gene: GRIN2B (glutamate ionotropic receptor NMDA type subunit 2B; minus strand). Cytogenetic location: 12p13.1.
Variant type: single nucleotide variant.
Coding change: c.1573T>G on transcript NM_000834.5 (MANE Select); coding-DNA position 1573, T replaced by G.
Protein change: p.Phe525Val; replaces phenylalanine 525 with valine.
Molecular consequence: missense variant.
Genome position (GRCh38, 1-based): chr12:13,615,195, A>C on the plus strand (T>G on the coding strand, the complement: GRIN2B is on the minus strand). VCF-style: chr12-13615195-A-C. GRCh37 (hg19) VCF-style: chr12-13768129-A-C.
Other names: short protein forms F525V.
Identifiers: ClinVar variation 916600 (VCV000916600.1), dbSNP rs1949420397, ClinGen allele CA384051846.

ClinVar aggregate classification (germline): Likely pathogenic (1 of 4 stars; one submission).

Conditions:
Intellectual developmental disorder, autosomal dominant 6, with or without seizures. Also called: GRIN2B-related developmental delay, intellectual disability and autism spectrum disorder; Intellectual disability, autosomal dominant 6. Identifiers: Orphanet 589547, MedGen C3151411, MONDO:0013509, OMIM 613970.

Submission:

Institute of Human Genetics, University of Leipzig Medical Center
Classification: Likely pathogenic for Intellectual developmental disorder, autosomal dominant 6, with or without seizures. Last evaluated: 2017-04-04. Review status: criteria provided, single submitter. Criteria: ACMG Guidelines, 2015. Collection method: clinical testing. Allele origin: de novo. Affected: yes.
Comment: This variant was identified as de novo (maternity and paternity confirmed).

Literature cited by the submitters: PubMed 28377535.